The following is an entry in ClinVar:

ClinVar aggregate classification (germline): Likely pathogenic (1 of 4 stars; one submission).

Allele frequency attached by ClinVar (database versions not stated): gnomAD exomes below 0.00001.
gnomAD v4.1: 1 of 1,614,124 alleles (0.000062%); highest among the groups gnomAD compares: Non-Finnish European, 0.000085%; no homozygotes.

Submission:

Labcorp Genetics (formerly Invitae), Labcorp
Classification: Likely pathogenic. Last evaluated: 2023-08-17. Review status: criteria provided, single submitter. Criteria: Invitae Variant Classification Sherloc (09022015). Collection method: clinical testing. Allele origin: germline.
Comment: This variant is not present in population databases (gnomAD no frequency). This sequence change replaces glycine, which is neutral and non-polar, with serine, which is neutral and polar, at codon 1305 of the COL2A1 protein (p.Gly1305Ser). This variant has not been reported in the literature in individuals affected with COL2A1-related conditions. In summary, the currently available evidence indicates that the variant is pathogenic, but additional data are needed to prove that conclusively. Therefore, this variant has been classified as Likely Pathogenic. This variant disrupts the p.Gly1305 amino acid residue in COL2A1. Other variant(s) that disrupt this residue have been determined to be pathogenic (PMID: 12205109). This suggests that this residue is clinically significant, and that variants that disrupt this residue are likely to be disease-causing. Advanced modeling of protein sequence and biophysical properties (such as structural, functional, and spatial information, amino acid conservation, physicochemical variation, residue mobility, and thermodynamic stability) performed at Invitae indicates that this missense variant is expected to disrupt COL2A1 protein function.

Literature cited by the submitters: PubMed 12205109.

NM_001844.5(COL2A1):c.3913G>A (p.Gly1305Ser)

Gene: COL2A1 (collagen type II alpha 1 chain; minus strand). Cytogenetic location: 12q13.11.
Variant type: single nucleotide variant.
Coding change: c.3913G>A on transcript NM_001844.5 (MANE Select); coding-DNA position 3913, G replaced by A.
Protein change: p.Gly1305Ser; replaces glycine 1305 with serine.
Molecular consequence: missense variant.
Genome position (GRCh38, 1-based): chr12:47,974,836, C>T on the plus strand (G>A on the coding strand, the complement: COL2A1 is on the minus strand). VCF-style: chr12-47974836-C-T. GRCh37 (hg19) VCF-style: chr12-48368619-C-T.
Other names: c.3706G>A, p.Gly1236Ser (NM_033150.3); short protein forms G1236S, G1305S.
Identifiers: ClinVar variation 2753294 (VCV002753294.3), dbSNP rs2540097776, ClinGen allele CA384536108.